The following is an entry in ClinVar:

ClinVar aggregate classification (germline): Uncertain significance (1 of 4 stars; one submission).

Submission:

Labcorp Genetics (formerly Invitae), Labcorp
Classification: Uncertain significance. Last evaluated: 2022-06-19. Review status: criteria provided, single submitter. Criteria: Invitae Variant Classification Sherloc (09022015). Collection method: clinical testing. Allele origin: germline.
Comment: In summary, the available evidence is currently insufficient to determine the role of this variant in disease. Therefore, it has been classified as a Variant of Uncertain Significance. Algorithms developed to predict the effect of missense changes on protein structure and function are either unavailable or do not agree on the potential impact of this missense change (SIFT: "Not Available"; PolyPhen-2: "Possibly Damaging"; Align-GVGD: "Not Available"). This variant has not been reported in the literature in individuals affected with CA4-related conditions. This variant is not present in population databases (gnomAD no frequency). This sequence change replaces leucine, which is neutral and non-polar, with valine, which is neutral and non-polar, at codon 169 of the CA4 protein (p.Leu169Val).

NM_000717.5(CA4):c.505C>G (p.Leu169Val)

Gene: CA4 (carbonic anhydrase 4; plus strand). Cytogenetic location: 17q23.1.
Variant type: single nucleotide variant.
Coding change: c.505C>G on transcript NM_000717.5 (MANE Select); coding-DNA position 505, C replaced by G.
Protein change: p.Leu169Val; replaces leucine 169 with valine.
Molecular consequence: missense variant. On other transcripts: non-coding transcript variant (1).
Genome position (GRCh38, 1-based): chr17:60,157,780, C>G. VCF-style: chr17-60157780-C-G. GRCh37 (hg19) VCF-style: chr17-58235141-C-G.
Other names: short protein forms L169V.
Identifiers: ClinVar variation 1933492 (VCV001933492.5), dbSNP rs2544521490, ClinGen allele CA400456778.